The following is an entry in ClinVar:

NM_000138.5(FBN1):c.2582G>A (p.Arg861Gln)

Gene: FBN1 (fibrillin 1; minus strand). Cytogenetic location: 15q21.1.
Variant type: single nucleotide variant.
Coding change: c.2582G>A on transcript NM_000138.5 (MANE Select); coding-DNA position 2582, G replaced by A.
Protein change: p.Arg861Gln; replaces arginine 861 with glutamine.
Molecular consequence: missense variant.
Genome position (GRCh38, 1-based): chr15:48,495,218, C>T on the plus strand (G>A on the coding strand, the complement: FBN1 is on the minus strand). VCF-style: chr15-48495218-C-T. GRCh37 (hg19) VCF-style: chr15-48787415-C-T.
Other names: p.R861Q:CGA>CAA; short protein forms R861Q.
Identifiers: ClinVar variation 200181 (VCV000200181.18), dbSNP rs794728328, ClinGen allele CA013222.

ClinVar aggregate classification (germline): Uncertain significance. Review status: criteria provided, multiple submitters, no conflicts (2 of 4 stars). 7 submissions from 7 submitters: Uncertain significance (7). Last evaluated 2026-08-08.

Conditions:
Ectopia lentis 1, isolated, autosomal dominant (ECTOL1). Identifiers: Orphanet 1885, MedGen C3541518, MONDO:0007514, OMIM 129600.
Progeroid and marfanoid aspect-lipodystrophy syndrome. Also called: MARFANOID-PROGEROID SYNDROME; MARFAN-PROGEROID-LIPODYSTROPHY SYNDROME; Marfan lipodystrophy syndrome; MARFANOID-PROGEROID-LIPODYSTROPHY SYNDROME. Identifiers: Orphanet 300382, MedGen C4310796, MONDO:0014831, OMIM 616914.
Marfan syndrome (MFS). Also called: MARFAN SYNDROME, TYPE I; Marfan's syndrome; Marfan syndrome, classic; Marfan syndrome type 1; FBN1-Related Marfan Syndrome. Identifiers: Orphanet 284963, Orphanet 558, MedGen C0024796, MONDO:0007947, OMIM 154700.
MASS syndrome (OCTD). Also called: MASS PHENOTYPE; OVERLAP CONNECTIVE TISSUE DISEASE. Identifiers: MedGen C1858556, MONDO:0011431, OMIM 604308.
Weill-Marchesani syndrome 2, dominant. Also called: FBN1-Related Weill-Marchesani Syndrome; Weill-Marchesani Syndrome, Autosomal Dominant. Identifiers: Orphanet 2084, MedGen C1869115, MONDO:0012013, OMIM 608328.
Stiff skin syndrome (SSKS). Identifiers: Orphanet 2833, MedGen C1861456, MONDO:0008492, OMIM 184900.
Acromicric dysplasia (ACMICD). Also called: Acromicric skeletal dysplasia. Identifiers: Orphanet 969, MedGen C0265287, MONDO:0007055, OMIM 102370.
Geleophysic dysplasia 2 (GPHYSD2). Identifiers: Orphanet 2623, MedGen C3280054, MONDO:0013612, OMIM 614185.
Familial thoracic aortic aneurysm and aortic dissection (TAAD). Also called: Thoracic aortic aneurysms and dissections. Identifiers: Orphanet 91387, MedGen C4707243, MONDO:0019625.

Allele frequency attached by ClinVar (database versions not stated): TOPMed 0.00002; gnomAD exomes below 0.00001; gnomAD 0.00002.
gnomAD v4.1: 11 of 1,613,984 alleles (0.00068%); highest among the groups gnomAD compares: Admixed American, 0.0033%; no homozygotes.

Submissions (7):

Ambry Genetics
Classification: Uncertain significance for Familial thoracic aortic aneurysm and aortic dissection. Last evaluated: 2026-08-08. Review status: criteria provided, single submitter. Criteria: Ambry Variant Classification Scheme 2023. Collection method: clinical testing. Allele origin: germline.
Comment: The p.R861Q variant (also known as c.2582G>A), located in coding exon 21 of the FBN1 gene, results from a G to A substitution at nucleotide position 2582. The arginine at codon 861 is replaced by glutamine, an amino acid with highly similar properties. This amino acid position is conserved. In addition, this alteration is predicted to be deleterious by in silico analysis. Based on the available evidence, the clinical significance of this variant remains unclear.

Color Diagnostics, LLC DBA Color Health
Classification: Uncertain significance for Familial thoracic aortic aneurysm and aortic dissection. Last evaluated: 2024-04-25. Review status: criteria provided, single submitter. Criteria: ACMG Guidelines, 2015. Collection method: clinical testing. Allele origin: germline.
Comment: This missense variant replaces arginine with glutamine at codon 861 of the FBN1 protein. Computational prediction tools indicate that this variant has a deleterious impact on protein structure and function. To our knowledge, functional studies have not been reported for this variant. This variant has not been reported in individuals affected with FBN1-related disorders in the literature. This variant has been identified in 1/251450 chromosomes in the general population by the Genome Aggregation Database (gnomAD). The available evidence is insufficient to determine the role of this variant in disease conclusively. Therefore, this variant is classified as a Variant of Uncertain Significance.

Women's Health and Genetics/Laboratory Corporation of America, LabCorp
Classification: Uncertain significance. Last evaluated: 2023-10-31. Review status: criteria provided, single submitter. Criteria: LabCorp Variant Classification Summary - May 2015. Collection method: clinical testing. Allele origin: germline.
Comment: Variant summary: FBN1 c.2582G>A (p.Arg861Gln) results in a conservative amino acid change located in the TB domain (IPR017878) of the encoded protein sequence. Three of five in-silico tools predict a damaging effect of the variant on protein function. The variant allele was found at a frequency of 4e-06 in 251450 control chromosomes (gnomAD). The available data on variant occurrences in the general population are insufficient to allow any conclusion about variant significance. To our knowledge, no occurrence of c.2582G>A in individuals affected with Aortopathy and no experimental evidence demonstrating its impact on protein function have been reported. Three submitters have cited clinical-significance assessments for this variant to ClinVar after 2014. All submitters classified the variant as uncertain significance. Based on the evidence outlined above, the variant was classified as uncertain significance.

All of Us Research Program, National Institutes of Health
Classification: Uncertain significance for Marfan syndrome. Last evaluated: 2023-08-15. Review status: criteria provided, single submitter. Criteria: ACMG Guidelines, 2015. Collection method: clinical testing. Allele origin: germline. Inheritance: Autosomal dominant inheritance. Observed: 1 variant allele, 1 heterozygote.
Comment: This study involves interpretation of variants in research participants for the purpose of population health screening. Participant phenotype was not available at the time of variant classification. Additional details can be found in publication PMID: 35346344, PMCID: PMC8962531

Labcorp Genetics (formerly Invitae), Labcorp
Classification: Uncertain significance for Marfan syndrome; Familial thoracic aortic aneurysm and aortic dissection. Last evaluated: 2023-04-29. Review status: criteria provided, single submitter. Criteria: Invitae Variant Classification Sherloc (09022015). Collection method: clinical testing. Allele origin: germline.
Comment: In summary, the available evidence is currently insufficient to determine the role of this variant in disease. Therefore, it has been classified as a Variant of Uncertain Significance. Advanced modeling of protein sequence and biophysical properties (such as structural, functional, and spatial information, amino acid conservation, physicochemical variation, residue mobility, and thermodynamic stability) performed at Invitae indicates that this missense variant is expected to disrupt FBN1 protein function. ClinVar contains an entry for this variant (Variation ID: 200181). This variant has not been reported in the literature in individuals affected with FBN1-related conditions. This variant is present in population databases (rs794728328, gnomAD 0.006%). This sequence change replaces arginine, which is basic and polar, with glutamine, which is neutral and polar, at codon 861 of the FBN1 protein (p.Arg861Gln).

Fulgent Genetics
Classification: Uncertain significance for Acromicric dysplasia; Ectopia lentis 1, isolated, autosomal dominant; Marfan syndrome; Stiff skin syndrome; MASS syndrome; Weill-Marchesani syndrome 2, dominant; Geleophysic dysplasia 2; Progeroid and marfanoid aspect-lipodystrophy syndrome. Last evaluated: 2021-08-21. Review status: criteria provided, single submitter. Criteria: ACMG Guidelines, 2015. Collection method: clinical testing. Allele origin: unknown.

GeneDx
Classification: Uncertain significance. Last evaluated: 2020-04-10. Review status: criteria provided, single submitter. Criteria: GeneDx Variant Classification Process June 2021. Collection method: clinical testing. Allele origin: germline. Affected: yes.
Comment: Not observed at a significant frequency in large population cohorts (Lek et al., 2016); In silico analysis supports that this missense variant has a deleterious effect on protein structure/function; Does not affect a cysteine residue within a calcium-binding EGF-like domain of the FBN1 gene; cysteine substitutions in the calcium-binding EGF-like domains represent the majority of pathogenic missense changes associated with FBN1-related disorders (Collod-Beroud et al., 2003); Has not been previously published as pathogenic or benign to our knowledge